The following is an entry in ClinVar:

NM_020066.5(FMN2):c.2871C>T (p.Pro957=)

Gene: FMN2 (formin 2; plus strand). Cytogenetic location: 1q43.
Variant type: single nucleotide variant.
Coding change: c.2871C>T on transcript NM_020066.5 (MANE Select); coding-DNA position 2871, C replaced by T.
Protein change: p.Pro957=; no amino-acid change (proline 957 retained).
Molecular consequence: synonymous variant. On other transcripts: intron variant (1).
Genome position (GRCh38, 1-based): chr1:240,207,683, C>T. VCF-style: chr1-240207683-C-T. GRCh37 (hg19) VCF-style: chr1-240370983-C-T.
Other names: c.2883C>T, p.Pro961= (NM_001305424.2); c.1986+19421C>T (NM_001348094.2).
Identifiers: ClinVar variation 3036961 (VCV003036961.2), dbSNP rs529662001, ClinGen allele CA1476835.

ClinVar aggregate classification (germline): Likely benign. Review status: criteria provided, multiple submitters, no conflicts (2 of 4 stars). 2 submissions from 2 submitters: Likely benign (2). Last evaluated 2026-07-01.

Conditions:
FMN2-related disorder. Also called: FMN2-related condition.

Allele frequency attached by ClinVar (database versions not stated): gnomAD 0.00005; 1000 Genomes Project 0.00020.
gnomAD v4.1: 65 of 1,430,760 alleles (0.0045%); highest among the groups gnomAD compares: Admixed American, 0.037%; 3 homozygotes.

Submissions (2):

CeGaT Center for Human Genetics Tuebingen
Classification: Likely benign. Last evaluated: 2026-07-01. Review status: criteria provided, single submitter. Criteria: CeGaT Center For Human Genetics Tuebingen Variant Classification Criteria Version 2. Collection method: clinical testing. Allele origin: germline. Affected: yes. Observed: 1 variant allele.
Comment: FMN2: BP4, BP7

PreventionGenetics, part of Exact Sciences
Classification: Likely benign for FMN2-related condition. Last evaluated: 2020-06-08. Review status: criteria provided, single submitter. Criteria: ACMG Guidelines, 2015. Collection method: clinical testing. Allele origin: germline.
Comment: This variant is classified as likely benign based on ACMG/AMP sequence variant interpretation guidelines (Richards et al. 2015 PMID: 25741868, with internal and published modifications).